The following is an entry in ClinVar:

ClinVar aggregate classification (germline): Conflicting classifications of pathogenicity. Review status: criteria provided, conflicting classifications (1 of 4 stars). 6 submissions from 6 submitters: Likely pathogenic (4); Uncertain significance (2). Last evaluated 2025-07-23.

Conditions:
Achondrogenesis, type IB (ACG1B). Also called: Achondrogenesis Type 1B. Identifiers: Orphanet 932, Orphanet 93298, MedGen C0265274, MONDO:0010966, OMIM 600972.
Atelosteogenesis type II (AO2). Also called: NEONATAL OSSEOUS DYSPLASIA I; SLC26A2-Related Atelosteogenesis; Neonatal osseous dysplasia 1. Identifiers: Orphanet 56304, MedGen C1850554, MONDO:0009727, OMIM 256050.
Diastrophic dysplasia (DTD). Also called: Diastrophic dwarfism. Identifiers: Orphanet 628, MedGen C0220726, MONDO:0009107, OMIM 222600.
Multiple epiphyseal dysplasia type 4 (EDM4). Also called: Multiple Epiphyseal Dysplasia, Recessive; MULTIPLE EPIPHYSEAL DYSPLASIA WITH BILAYERED PATELLAE; MULTIPLE EPIPHYSEAL DYSPLASIA WITH CLUBFOOT; MULTIPLE EPIPHYSEAL DYSPLASIA, AUTOSOMAL RECESSIVE; SLC26A2-Related Multiple Epiphyseal Dysplasia. Identifiers: Orphanet 93307, MedGen C1847593, MONDO:0009189, OMIM 226900.

Allele frequency attached by ClinVar (database versions not stated): gnomAD exomes below 0.00001; gnomAD 0.00001; TOPMed 0.00002; ExAC 0.00003.

Submissions (6):

Natera, Inc.
Classification: Likely pathogenic for Achondrogenesis type IB. Last evaluated: 2025-07-23. Review status: criteria provided, single submitter. Criteria: Natera Variant Classification Schema (03/2026). Collection method: clinical testing. Allele origin: germline.
Comment: The c.484G>T variant in SLC26A2 is a missense variant predicted to cause substitution of valine to leucine at amino acid 162. This variant is rare in the general population with a frequency below the threshold expected for the associated phenotype(s). This variant has been observed in one or more individuals affected with the associated recessive disease, as either homozygous or compound heterozygous with a second variant (PMID: 32619261, 34557487, 33728303). Computational prediction algorithms indicate this variant is likely to affect gene or protein function. Given the available evidence, this variant is classified as Likely Pathogenic.

Fulgent Genetics
Classification: Likely pathogenic for Diastrophic dysplasia; Multiple epiphyseal dysplasia type 4; Atelosteogenesis type II; Achondrogenesis, type IB. Last evaluated: 2024-06-05. Review status: criteria provided, single submitter. Criteria: ACMG Guidelines, 2015. Collection method: clinical testing. Allele origin: germline.

Women's Health and Genetics/Laboratory Corporation of America, LabCorp
Classification: Uncertain significance. Last evaluated: 2024-05-31. Review status: criteria provided, single submitter. Criteria: LabCorp Variant Classification Summary - May 2015. Collection method: clinical testing. Allele origin: germline.
Comment: Variant summary: SLC26A2 c.484G>T (p.Val162Leu) results in a conservative amino acid change located in the SLC26A/SulP transporter domain (IPR011547) of the encoded protein sequence. Four of five in-silico tools predict a damaging effect of the variant on protein function. The variant allele was found at a frequency of 1.6e-05 in 247772 control chromosomes. c.484G>T has been reported in the literature in the presumed compound heterozygous state in at least 3 individuals affected with clinical features of Sulfate Transporter-Related Osteochondrodysplasia (example, Li_2020, Lv_2021, Yang_2021), including at least 2 individuals who carried a pathogenic variant in trans. These data indicate that the variant may be associated with disease. To our knowledge, no experimental evidence demonstrating an impact on protein function has been reported. The following publications have been ascertained in the context of this evaluation (PMID: 32619261, 34557487, 33728303). ClinVar contains an entry for this variant (Variation ID: 2678876). Based on the evidence outlined above, the variant was classified as VUS-possibly pathogenic.

Baylor Genetics
Classification: Likely pathogenic for Achondrogenesis, type IB. Last evaluated: 2023-10-30. Review status: criteria provided, single submitter. Criteria: ACMG Guidelines, 2015. Collection method: clinical testing. Allele origin: unknown.

3billion
Classification: Uncertain significance for Multiple epiphyseal dysplasia type 4. Last evaluated: 2023-07-14. Review status: criteria provided, single submitter. Criteria: ACMG Guidelines, 2015. Collection method: clinical testing. Allele origin: germline. Affected: yes.
Comment: The variant is observed at an extremely low frequency in the gnomAD v2.1.1 dataset (total allele frequency: 0.002%). Predicted Consequence/Location: Protein truncation variants are a common disease-causing mechanism. In silico tool predictions suggest damaging effect of the variant on gene or gene product (REVEL: 0.80). Therefore, this variant is classified as VUS according to the recommendation of ACMG/AMP guideline.

Juno Genomics, Hangzhou Juno Genomics, Inc
Classification: Likely pathogenic for Achondrogenesis, type IB; Atelosteogenesis type II; Diastrophic dysplasia; Multiple epiphyseal dysplasia type 4. Review status: criteria provided, single submitter. Criteria: ACMG Guidelines, 2015. Collection method: clinical testing. Allele origin: germline.
Comment: Absent from controls (or at extremely low frequency if recessive) in Genome Aggregation Database.;Multiple lines of computational evidence support a deleterious effect on the gene or gene product.;For recessive disorders, detected in trans with a pathogenic variant.

Literature cited by the submitters: PubMed 32619261 (cited by Natera, Inc. and Women's Health and Genetics/Laboratory Corporation of America, LabCorp); PubMed 34557487 (cited by Natera, Inc. and Women's Health and Genetics/Laboratory Corporation of America, LabCorp); PubMed 33728303 (cited by Natera, Inc. and Women's Health and Genetics/Laboratory Corporation of America, LabCorp).

NM_000112.4(SLC26A2):c.484G>T (p.Val162Leu)

Gene: SLC26A2 (solute carrier family 26 member 2; plus strand). Cytogenetic location: 5q32.
Variant type: single nucleotide variant.
Coding change: c.484G>T on transcript NM_000112.4 (MANE Select); coding-DNA position 484, G replaced by T.
Protein change: p.Val162Leu; replaces valine 162 with leucine.
Molecular consequence: missense variant.
Genome position (GRCh38, 1-based): chr5:149,978,136, G>T. VCF-style: chr5-149978136-G-T. GRCh37 (hg19) VCF-style: chr5-149357699-G-T.
Other names: short protein forms V162L.
Identifiers: ClinVar variation 2678876 (VCV002678876.7), dbSNP rs752152305, ClinGen allele CA3505260.
Genomic context (GRCh38, chr5:149,978,136, plus strand): 5'-TACACATCTTTTTTTGCCAGCATCATTTATTTTCTCTTGGGTACCTCCCGTCACATCTCT[G>T]TGGGCATTTTTGGAGTACTGTGCCTTATGATTGGTGAGACAGTTGACCGAGAACTACAGA-3'
Protein context (NP_000103.2, residues 152-172): FLLGTSRHIS[Val162Leu]GIFGVLCLMI